The following is an entry in ClinVar:

NM_001128840.3(CACNA1D):c.5357A>G (p.His1786Arg)

Gene: CACNA1D (calcium voltage-gated channel subunit alpha1 D; plus strand). Cytogenetic location: 3p21.1.
Variant type: single nucleotide variant.
Coding change: c.5357A>G on transcript NM_001128840.3 (MANE Select); coding-DNA position 5357, A replaced by G.
Protein change: p.His1786Arg; replaces histidine 1786 with arginine.
Molecular consequence: missense variant.
Genome position (GRCh38, 1-based): chr3:53,801,374, A>G. VCF-style: chr3-53801374-A-G. GRCh37 (hg19) VCF-style: chr3-53835401-A-G.
Other names: c.5417A>G, p.His1806Arg (NM_000720.4); c.5312A>G, p.His1771Arg (NM_001128839.3); short protein forms H1786R, H1771R, H1806R.
Identifiers: ClinVar variation 1945415 (VCV001945415.5), dbSNP rs2095534960, ClinGen allele CA353251662.

ClinVar aggregate classification (germline): Uncertain significance (1 of 4 stars; one submission).

Allele frequency attached by ClinVar (database versions not stated): TOPMed below 0.00001.

Submission:

Labcorp Genetics (formerly Invitae), Labcorp
Classification: Uncertain significance. Last evaluated: 2025-10-21. Review status: criteria provided, single submitter. Criteria: Invitae Variant Classification Sherloc (09022015). Collection method: clinical testing. Allele origin: germline.
Comment: This sequence change replaces histidine, which is basic and polar, with arginine, which is basic and polar, at codon 1806 of the CACNA1D protein (p.His1806Arg). This variant is not present in population databases (gnomAD no frequency). This variant has not been reported in the literature in individuals affected with CACNA1D-related conditions. ClinVar contains an entry for this variant (Variation ID: 1945415). An algorithm developed to predict the effect of missense changes on protein structure and function (PolyPhen-2) suggests that this variant is likely to be tolerated. In summary, the available evidence is currently insufficient to determine the role of this variant in disease. Therefore, it has been classified as a Variant of Uncertain Significance.